The following is an entry in ClinVar:

NM_004530.6(MMP2):c.1110C>A (p.Asp370Glu)

Gene: MMP2 (matrix metallopeptidase 2; plus strand). Cytogenetic location: 16q12.2.
Variant type: single nucleotide variant.
Coding change: c.1110C>A on transcript NM_004530.6 (MANE Select); coding-DNA position 1110, C replaced by A.
Protein change: p.Asp370Glu; replaces aspartic acid 370 with glutamic acid.
Molecular consequence: missense variant.
Genome position (GRCh38, 1-based): chr16:55,489,754, C>A. VCF-style: chr16-55489754-C-A. GRCh37 (hg19) VCF-style: chr16-55523666-C-A.
Other names: c.960C>A, p.Asp320Glu (NM_001127891.3); c.882C>A, p.Asp294Glu (NM_001302508.1, NM_001302509.2, NM_001302510.2); short protein forms D294E, D320E, D370E.
Identifiers: ClinVar variation 3253283 (VCV003253283.2), dbSNP rs544673695.

ClinVar aggregate classification (germline): Uncertain significance (1 of 4 stars; one submission).

gnomAD v4.1: 4 of 1,614,028 alleles (0.00025%); highest among the groups gnomAD compares: Admixed American, 0.005%; no homozygotes.

Submission:

GeneDx
Classification: Uncertain significance. Last evaluated: 2024-12-03. Review status: criteria provided, single submitter. Criteria: GeneDx Variant Classification Process June 2021. Collection method: clinical testing. Allele origin: germline.
Comment: In silico analysis supports that this missense variant has a deleterious effect on protein structure/function; Has not been previously published as pathogenic or benign to our knowledge